The following is an entry in ClinVar:

NM_001148.6(ANK2):c.11500G>A (p.Glu3834Lys)

Gene: ANK2 (ankyrin 2; plus strand). Cytogenetic location: 4q26.
Variant type: single nucleotide variant.
Coding change: c.11500G>A on transcript NM_001148.6 (MANE Select); coding-DNA position 11500, G replaced by A.
Protein change: p.Glu3834Lys; replaces glutamic acid 3834 with lysine.
Molecular consequence: missense variant.
Genome position (GRCh38, 1-based): chr4:113,369,695, G>A. VCF-style: chr4-113369695-G-A. GRCh37 (hg19) VCF-style: chr4-114290851-G-A.
Other names: c.5026G>A, p.Glu1676Lys (NM_001386149.1, NM_001386150.1, NM_001386153.1 and 1 more transcripts); c.4960G>A, p.Glu1654Lys (NM_001386151.1, NM_001354260.2, NM_001354271.2); c.5302G>A, p.Glu1768Lys (NM_001386152.1); c.5011G>A, p.Glu1671Lys (NM_001386154.1, NM_001354274.2); c.4984G>A, p.Glu1662Lys (NM_001386156.1, NM_001354257.2); c.4861G>A, p.Glu1621Lys (NM_001386157.1, NM_001354277.2); c.4762G>A, p.Glu1588Lys (NM_001386158.1); c.5089G>A, p.Glu1697Lys (NM_001386160.1); and 35 more; short protein forms E1621K, E1662K, E1704K, E1740K, E1748K, E3756K, E3834K, E3873K.
Identifiers: ClinVar variation 2918531 (VCV002918531.4), dbSNP rs2154066788, ClinGen allele CA357942848.

ClinVar aggregate classification (germline): Uncertain significance. Review status: criteria provided, multiple submitters, no conflicts (2 of 4 stars). 2 submissions from 2 submitters: Uncertain significance (2). Last evaluated 2024-12-21.

Conditions:
Cardiovascular phenotype. Identifiers: MedGen CN230736.
Long QT syndrome (LQTS). Identifiers: MedGen C0023976, MeSH D008133, MONDO:0002442. Disease mechanism: loss of function. Inheritance: Various modes of inheritance.

Allele frequency attached by ClinVar (database versions not stated): gnomAD exomes below 0.00001.
gnomAD v4.1: 4 of 1,614,140 alleles (0.00025%); highest among the groups gnomAD compares: Non-Finnish European, 0.00025%; no homozygotes.

Submissions (2):

Ambry Genetics
Classification: Uncertain significance for Cardiovascular phenotype. Last evaluated: 2024-12-21. Review status: criteria provided, single submitter. Criteria: Ambry Variant Classification Scheme 2023. Collection method: clinical testing. Allele origin: germline.
Comment: The p.E3834K variant (also known as c.11500G>A), located in coding exon 43 of the ANK2 gene, results from a G to A substitution at nucleotide position 11500. The glutamic acid at codon 3834 is replaced by lysine, an amino acid with similar properties. This amino acid position is conserved. In addition, the in silico prediction for this alteration is inconclusive. Based on the available evidence, the clinical significance of this variant remains unclear.

Labcorp Genetics (formerly Invitae), Labcorp
Classification: Uncertain significance for Long QT syndrome. Last evaluated: 2023-03-27. Review status: criteria provided, single submitter. Criteria: Invitae Variant Classification Sherloc (09022015). Collection method: clinical testing. Allele origin: germline.
Comment: In summary, the available evidence is currently insufficient to determine the role of this variant in disease. Therefore, it has been classified as a Variant of Uncertain Significance. Advanced modeling of protein sequence and biophysical properties (such as structural, functional, and spatial information, amino acid conservation, physicochemical variation, residue mobility, and thermodynamic stability) performed at Invitae indicates that this missense variant is not expected to disrupt ANK2 protein function. This variant has not been reported in the literature in individuals affected with ANK2-related conditions. This variant is not present in population databases (gnomAD no frequency). This sequence change replaces glutamic acid, which is acidic and polar, with lysine, which is basic and polar, at codon 3834 of the ANK2 protein (p.Glu3834Lys).